The following is an entry in ClinVar:

ClinVar aggregate classification (germline): Uncertain significance (1 of 4 stars; one submission).

Submission:

Labcorp Genetics (formerly Invitae), Labcorp
Classification: Uncertain significance. Last evaluated: 2023-10-13. Review status: criteria provided, single submitter. Criteria: Invitae Variant Classification Sherloc (09022015). Collection method: clinical testing. Allele origin: unknown.
Comment: This variant is a gross deletion of the genomic region encompassing exon(s) 2 of the AUTS2 gene. This variant would be expected to be in-frame, preserving the integrity of the reading frame. A similar copy number variant has been observed in individual(s) with AUTS2-related conditions (PMID: 23332918). In summary, the available evidence is currently insufficient to determine the role of this variant in disease. Therefore, it has been classified as a Variant of Uncertain Significance.

Literature cited by the submitters: PubMed 23332918.

NC_000007.13:g.(?_69364252)_(69364504_?)del

Gene: AUTS2 (activator of transcription and developmental regulator AUTS2; plus strand). Cytogenetic location: 7q11.22.
Variant type: Deletion.
Identifiers: ClinVar variation 3245908 (VCV003245908.1).